The following is an entry in ClinVar:

ClinVar aggregate classification (germline): Uncertain significance (1 of 4 stars; one submission).

Conditions:
MTOR-related disorder. Also called: MTOR-related condition.

Submission:

PreventionGenetics, part of Exact Sciences
Classification: Uncertain significance for MTOR-related condition. Last evaluated: 2025-03-10. Review status: criteria provided, single submitter. Criteria: ACMG Guidelines, 2015. Collection method: clinical testing. Allele origin: germline.
Comment: The MTOR c.6026C>T variant is predicted to result in the amino acid substitution p.Ala2009Val. To our knowledge, this variant has not been reported in the literature or in a large population database (gnomAD), indicating this variant is rare. At this time, the clinical significance of this variant is uncertain due to the absence of conclusive functional and genetic evidence.

NM_004958.4(MTOR):c.6026C>T (p.Ala2009Val)

Gene: MTOR (mechanistic target of rapamycin kinase; minus strand). Cytogenetic location: 1p36.22.
Variant type: single nucleotide variant.
Coding change: c.6026C>T on transcript NM_004958.4 (MANE Select); coding-DNA position 6026, C replaced by T.
Protein change: p.Ala2009Val; replaces alanine 2009 with valine.
Molecular consequence: missense variant.
Genome position (GRCh38, 1-based): chr1:11,128,011, G>A on the plus strand (C>T on the coding strand, the complement: MTOR is on the minus strand). VCF-style: chr1-11128011-G-A. GRCh37 (hg19) VCF-style: chr1-11188068-G-A.
Other names: c.6026C>T, p.Ala2009Val (NM_001386500.1); c.4778C>T, p.Ala1593Val (NM_001386501.1); short protein forms A2009V, A1593V.
Identifiers: ClinVar variation 5001429 (VCV005001429.1).